The following is an entry in ClinVar:

ClinVar aggregate classification (germline): Uncertain significance (1 of 4 stars; one submission).

Conditions:
Leigh syndrome (NULS). Also called: Leigh's necrotizing encephalopathy; Leigh's disease; Leigh Syndrome (mtDNA deletion); Leigh Disease; Subacute necrotizing encephalopathy; Necrotizing encephalopathy infantile subacute of Leigh. Identifiers: Orphanet 506, MedGen C2931891, MONDO:0009723, OMIM 256000.

Submission:

Wong Mito Lab, Molecular and Human Genetics, Baylor College of Medicine
Classification: Uncertain significance for Leigh syndrome. Last evaluated: 2019-10-17. Review status: criteria provided, single submitter. Criteria: Modified ACMG Guidelines (Unpublished). Collection method: clinical testing. Allele origin: germline.
Comment: The NC_012920.1:m.10620A>G (YP_003024034.1:p.Thr51Ala) variant in MTND4L gene is interpretated to be a Uncertain Significance variant based on the modified ACMG guidelines (unpublished). This variant meets the following evidence codes: BP4

NC_012920.1(MT-ND4L):m.10620A>G

Gene: MT-ND4L (mitochondrially encoded NADH dehydrogenase 4L; plus strand).
Variant type: single nucleotide variant.
Genome position: chrM-10620-A-G.
Identifiers: ClinVar variation 693303 (VCV000693303.1), dbSNP rs1603222915, ClinGen allele CA414806104.